The following is an entry in ClinVar:

ClinVar aggregate classification (germline): Likely pathogenic (1 of 4 stars; one submission).

Conditions:
von Willebrand disorder (VWD). Also called: von Willebrand's disease; Von Willebrand disease (hereditary or acquired); von Willebrand Diseases. Identifiers: MedGen C0042974, MeSH D014842, MONDO:0024574.

Submission:

Women's Health and Genetics/Laboratory Corporation of America, LabCorp
Classification: Likely pathogenic for von Willebrand disorder. Last evaluated: 2026-02-04. Review status: criteria provided, single submitter. Criteria: LabCorp Variant Classification Summary - May 2015. Collection method: clinical testing. Allele origin: germline.
Comment: Variant summary: VWF c.3569G>C (p.Cys1190Ser) results in a non-conservative amino acid change in the encoded protein sequence. Algorithms developed to predict the effect of missense changes on protein structure and function all suggest that this variant is likely to be disruptive. The variant was absent in 251494 control chromosomes (gnomAD). c.3569G>C has been observed in individuals affected with Von Willebrand Disease type 2A (Kakela_2006, Jacobi_2012). These data indicate that the variant may be associated with disease. One of these publications also reported experimental evidence evaluating an impact on protein function and demonstrated multimerization defect, in addition the variant also affected WT-VWF multimerization negatively, suggesting a dominant negative effect (Jacobi_2012). In addition, multiple variants located at the same codon (C1190R/Y/F) have been classified as Pathogenic/Likely Pathogenic by the ClinGen von Willebrand Disease Variant Curation Expert Panel, supporting a critical relevance of this residue to VWF protein function. The following publications have been ascertained in the context of this evaluation (PMID: 16321553, 22431572, 19506359). No submitters have cited clinical-significance assessments for this variant to ClinVar. Based on the evidence outlined above, the variant was classified as likely pathogenic.

Literature cited by the submitters: PubMed 16321553; PubMed 22431572; PubMed 19506359.

NM_000552.5(VWF):c.3569G>C (p.Cys1190Ser)

Gene: VWF (von Willebrand factor; minus strand). Cytogenetic location: 12p13.31.
Variant type: single nucleotide variant.
Coding change: c.3569G>C on transcript NM_000552.5 (MANE Select); coding-DNA position 3569, G replaced by C.
Protein change: p.Cys1190Ser; replaces cysteine 1190 with serine.
Molecular consequence: missense variant.
Genome position (GRCh38, 1-based): chr12:6,022,005, C>G on the plus strand (G>C on the coding strand, the complement: VWF is on the minus strand). VCF-style: chr12-6022005-C-G. GRCh37 (hg19) VCF-style: chr12-6131171-C-G.
Other names: short protein forms C1190S.
Identifiers: ClinVar variation 4848043 (VCV004848043.1).
Genomic context (GRCh38, chr12:6,022,005, plus strand): 5'-TTTCCTGAGGCAAAACGCCGGCCAGCCACCTCACACACTGGACAGTCTTCAGGGTCAACG[C>G]AGGTCTGCAAAAGCTCATCCAGGATTTTCCCTGCAAAAGAAAGCTCTCATTAGGAACCAA-3'
Protein context (NP_000543.3, residues 1180-1200): GKILDELLQT[Cys1190Ser]VDPEDCPVCE